The following is an entry in ClinVar:

NM_000720.4(CACNA1D):c.1532G>A (p.Arg511Gln)

Gene: CACNA1D (calcium voltage-gated channel subunit alpha1 D; plus strand). Cytogenetic location: 3p21.1.
Variant type: single nucleotide variant.
Coding change: c.1532G>A on transcript NM_000720.4 (MANE Plus Clinical); coding-DNA position 1532, G replaced by A.
Protein change: p.Arg511Gln; replaces arginine 511 with glutamine.
Molecular consequence: missense variant. On other transcripts: intron variant (2).
Genome position (GRCh38, 1-based): chr3:53,718,735, G>A. VCF-style: chr3-53718735-G-A. GRCh37 (hg19) VCF-style: chr3-53752762-G-A.
Other names: c.1532G>A (NM_000720.2); c.1478+347G>A (NM_001128840.3, NM_001128839.3); short protein forms R511Q.
Identifiers: ClinVar variation 3624598 (VCV003624598.3).
Genomic context (GRCh38, chr3:53,718,735, plus strand): 5'-CCATTAGGTGCTGGTGGAGACGGAGAGGCGCGGCCAAGGCGGGGCCCTCTGGGTGTCGGC[G>A]GTGGGGGTAAAGGCCTGATTCTCCTTCCAGCCTGGGTTTGGCATTTGTGCTTTTGAAGAA-3'
Protein context (NP_000711.1, residues 501-521): AAKAGPSGCR[Arg511Gln]WGQAISKSKL

ClinVar aggregate classification (germline): Uncertain significance. Review status: criteria provided, multiple submitters, no conflicts (2 of 4 stars). 2 submissions from 2 submitters: Uncertain significance (2). Last evaluated 2025-12-09.

Conditions:
Inborn genetic diseases. Identifiers: MedGen C0950123, MeSH D030342.

gnomAD v4.1: 59 of 1,555,116 alleles (0.0038%); highest among the groups gnomAD compares: East Asian, 0.0072%; no homozygotes.

Submissions (2):

Labcorp Genetics (formerly Invitae), Labcorp
Classification: Uncertain significance. Last evaluated: 2025-12-09. Review status: criteria provided, single submitter. Criteria: Invitae Variant Classification Sherloc (09022015). Collection method: clinical testing. Allele origin: germline.
Comment: This sequence change replaces arginine, which is basic and polar, with glutamine, which is neutral and polar, at codon 511 of the CACNA1D protein (p.Arg511Gln). The frequency data for this variant in the population databases is considered unreliable, as metrics indicate poor data quality at this position in the gnomAD database. This variant has not been reported in the literature in individuals affected with CACNA1D-related conditions. ClinVar contains an entry for this variant (Variation ID: 3624598). Invitae Evidence Modeling of protein sequence and biophysical properties (such as structural, functional, and spatial information, amino acid conservation, physicochemical variation, residue mobility, and thermodynamic stability) indicates that this missense variant is not expected to disrupt CACNA1D protein function with a negative predictive value of 80%. In summary, the available evidence is currently insufficient to determine the role of this variant in disease. Therefore, it has been classified as a Variant of Uncertain Significance.

Ambry Genetics
Classification: Uncertain significance for Inborn genetic diseases. Last evaluated: 2025-07-15. Review status: criteria provided, single submitter. Criteria: Ambry Variant Classification Scheme 2023. Collection method: clinical testing. Allele origin: germline.